The following is an entry in ClinVar:

NM_002473.6(MYH9):c.5770_5779del (p.Gly1924fs)

Gene: MYH9 (myosin heavy chain 9; minus strand). Cytogenetic location: 22q12.3.
Variant type: Deletion.
Coding change: c.5770_5779del on transcript NM_002473.6 (MANE Select); coding-DNA positions 5770 to 5779, 10 bases deleted (GGGGACCTGC; older notation c.5770_5779delGGGGACCTGC).
Protein change: p.Gly1924fs; shifts the reading frame from glycine 1924.
Molecular consequence: frameshift variant.
Genome position (GRCh38, 1-based): chr22:36,282,772-36,282,781, GCAGGTCCCC deleted on the plus strand (GGGGACCTGC on the coding strand, the reverse complement: MYH9 is on the minus strand); deleting any 10 consecutive bases within chr22:36,282,772-36,282,783 gives the same sequence; the c. name uses the placement nearest the transcript's 3' end. VCF-style (leftmost placement, unchanged base first): chr22-36282771-GGCAGGTCCCC-G. GRCh37 (hg19) VCF-style: chr22-36678817-GGCAGGTCCCC-G.
Other names: short protein forms G1924fs.
Identifiers: ClinVar variation 623110 (VCV000623110.4), dbSNP rs1603482653, ClinGen allele CA915951362.

ClinVar aggregate classification (germline): Pathogenic/Likely pathogenic. Review status: criteria provided, multiple submitters, no conflicts (2 of 4 stars). 2 submissions from 2 submitters: Pathogenic (1); Likely pathogenic (1). Last evaluated 2024-11-28.

Conditions:
MYH9-related disorder. Identifiers: MedGen C1854520.

Submissions (2):

Blueprint Genetics
Classification: Likely pathogenic for MYH9-related disorders. Last evaluated: 2024-11-28. Review status: criteria provided, single submitter. Criteria: ACMG Guidelines, 2015. Collection method: clinical testing. Allele origin: germline. Affected: yes. Observed: 1 variant allele.

NIHR Bioresource Rare Diseases, University of Cambridge
Classification: Pathogenic for MYH9-related disorder. Last evaluated: 2018-12-12. Review status: criteria provided, single submitter. Criteria: ACMG Guidelines, 2015. Collection method: research. Allele origin: unknown. Inheritance: Autosomal dominant inheritance. Affected: yes. Observed: 1 heterozygote.
Comment: PS4, #PM4, PM2, PM1, PP4